The following is an entry in ClinVar:

NM_004947.5(DOCK3):c.2413G>A (p.Val805Met)

Gene: DOCK3 (dedicator of cytokinesis 3; plus strand). Cytogenetic location: 3p21.2.
Variant type: single nucleotide variant.
Coding change: c.2413G>A on transcript NM_004947.5 (MANE Select); coding-DNA position 2413, G replaced by A.
Protein change: p.Val805Met; replaces valine 805 with methionine.
Molecular consequence: missense variant.
Genome position (GRCh38, 1-based): chr3:51,270,872, G>A. VCF-style: chr3-51270872-G-A. GRCh37 (hg19) VCF-style: chr3-51308303-G-A.
Other names: short protein forms V805M.
Identifiers: ClinVar variation 5009042 (VCV005009042.1).

ClinVar aggregate classification (germline): Uncertain significance (1 of 4 stars; one submission).

gnomAD v4.1: 39 of 1,613,988 alleles (0.0024%); highest among the groups gnomAD compares: Non-Finnish European, 0.003%; no homozygotes.

Submission:

GeneDx
Classification: Uncertain significance. Last evaluated: 2026-03-21. Review status: criteria provided, single submitter. Criteria: GeneDx Variant Classification Process June 2021. Collection method: clinical testing. Allele origin: germline.
Comment: In silico analysis suggests that this missense variant does not alter protein structure/function; Has not been previously published as pathogenic or benign to our knowledge